The following is an entry in ClinVar:

ClinVar aggregate classification (germline): Likely benign. Review status: criteria provided, single submitter (1 of 4 stars). 2 submissions from 2 submitters: Likely benign (1). 1 of the submissions does not count toward it. Last evaluated 2024-07-02.

Conditions:
DNAH17-related disorder. Also called: DNAH17-related condition.

Allele frequency attached by ClinVar (database versions not stated): ExAC 0.00004; gnomAD exomes 0.00004; gnomAD 0.00005; TOPMed 0.00009; 1000 Genomes Project 0.00020; 1000 Genomes Project 30x 0.00031.
gnomAD v4.1: 76 of 1,613,758 alleles (0.0047%); highest among the groups gnomAD compares: African/African-American, 0.016%; no homozygotes.

Submissions (2):

Blueprint Genetics
Classification: Likely benign. Last evaluated: 2024-07-02. Review status: criteria provided, single submitter. Criteria: ACMG Guidelines, 2015. Collection method: clinical testing. Allele origin: germline.

PreventionGenetics, part of Exact Sciences
Classification: Likely benign for DNAH17-related condition. Last evaluated: 2019-09-10. Review status: no assertion criteria provided. Collection method: clinical testing. Allele origin: germline. Not counted in ClinVar's aggregate classification.
Comment: This variant is classified as likely benign based on ACMG/AMP sequence variant interpretation guidelines (Richards et al. 2015 PMID: 25741868, with internal and published modifications).

NM_173628.4(DNAH17):c.294C>T (p.Tyr98=)

Gene: DNAH17 (dynein axonemal heavy chain 17; minus strand). Cytogenetic location: 17q25.3.
Variant type: single nucleotide variant.
Coding change: c.294C>T on transcript NM_173628.4 (MANE Select); coding-DNA position 294, C replaced by T.
Protein change: p.Tyr98=; no amino-acid change (tyrosine 98 retained).
Molecular consequence: synonymous variant.
Genome position (GRCh38, 1-based): chr17:78,574,764, G>A on the plus strand (C>T on the coding strand, the complement: DNAH17 is on the minus strand). VCF-style: chr17-78574764-G-A. GRCh37 (hg19) VCF-style: chr17-76570846-G-A.
Identifiers: ClinVar variation 3040377 (VCV003040377.3), dbSNP rs530134322, ClinGen allele CA8805724.
Genomic context (GRCh38, chr17:78,574,764, plus strand): 5'-CGCACTCACCTCCTCCACCACCGCGATCAGCTGGTCCACGGGTGTGGGGCTGATGTCGCC[G>A]TAAAGGAGCCGGGCCCTGTAGTTGTCCTTGTTGATGTTCTCGGACTTTGTCTTGATGAAG-3'
Protein context (NP_775899.3, residues 88-108): NKDNYRARLL[Tyr98=]GDISPTPVDQ